The following is an entry in ClinVar:

NM_000321.3(RB1):c.2039dup (p.Trp681fs)

Gene: RB1 (RB transcriptional corepressor 1; plus strand). Cytogenetic location: 13q14.2.
Variant type: Duplication.
Coding change: c.2039dup on transcript NM_000321.3 (MANE Select); coding-DNA position 2039, one base duplicated (T; older notation c.2039dupT).
Protein change: p.Trp681fs; shifts the reading frame from tryptophan 681.
Molecular consequence: frameshift variant.
Genome position (GRCh38, 1-based): chr13:48,459,766, T duplicated. VCF-style (leftmost placement, unchanged base first): chr13-48459765-A-AT. GRCh37 (hg19) VCF-style: chr13-49033901-A-AT.
Other names: c.2039dup, p.Trp681fs (NM_001407165.1); short protein forms W681fs.
Identifiers: ClinVar variation 3237059 (VCV003237059.1), dbSNP rs2542368300.

ClinVar aggregate classification (germline): Pathogenic (1 of 4 stars; one submission).

Conditions:
Retinoblastoma (RB1). Also called: RETINOBLASTOMA, SOMATIC. Identifiers: Orphanet 790, MedGen C0035335, MeSH D012175, MONDO:0008380, OMIM 180200, HP:0009919. Disease mechanism: loss of function. Inheritance: Both sporadic and heritable forms are tested..

Submission:

Genetic Diagnostic Laboratory, University of Pennsylvania School of Medicine
Classification: Pathogenic for Retinoblastoma. Last evaluated: 2024-05-20. Review status: criteria provided, single submitter. Criteria: ACMG Guidelines, 2015. Collection method: clinical testing. Allele origin: germline. Affected: yes. Observed: 1 variant allele.
Comment: Case and Pedigree Information: BILATERAL CASES:1, UNILATERAL CASES:0, TOTAL CASES:1, PEDIGREES:1. ACMG Codes Applied:PVS1, PM2